The following is an entry in ClinVar:

NM_020436.5(SALL4):c.540_541inv (p.Val181Met)

Gene: SALL4 (spalt like transcription factor 4; minus strand). Cytogenetic location: 20q13.2.
Variant type: Inversion.
Coding change: c.540_541inv on transcript NM_020436.5 (MANE Select).
Protein change: p.Val181Met; replaces valine 181 with methionine.
Molecular consequence: missense variant.
Genome position: GRCh38 VCF-style: chr20-51791942-CA-TG. GRCh37 (hg19) VCF-style: chr20-50408481-CA-TG.
Other names: c.540_541inv, p.Val181Met (NM_001318031.2); short protein forms V181M.
Identifiers: ClinVar variation 2190976 (VCV002190976.4), ClinGen allele CA2580098286.

ClinVar aggregate classification (germline): Uncertain significance (1 of 4 stars; one submission).

Conditions:
Duane-radial ray syndrome (DRRS). Also called: Duane-Radial Ray Syndrome/Okihiro Syndrome; ACRORENOOCULAR SYNDROME; DR SYNDROME; DUANE ANOMALY WITH RADIAL RAY ABNORMALITIES AND DEAFNESS; Okihiro Syndrome; Duane-Radial Ray Syndrome (DRRS) / Okihiro Syndrome. Identifiers: Orphanet 93293, Orphanet 959, MedGen C1623209, MONDO:0011812, OMIM 607323. Disease mechanism: gain of function.

Submission:

Labcorp Genetics (formerly Invitae), Labcorp
Classification: Uncertain significance for Duane-radial ray syndrome. Last evaluated: 2025-10-08. Review status: criteria provided, single submitter. Criteria: Invitae Variant Classification Sherloc (09022015). Collection method: clinical testing. Allele origin: germline.
Comment: This sequence change replaces valine, which is neutral and non-polar, with methionine, which is neutral and non-polar, at codon 181 of the SALL4 protein (p.Val181Met). Information on the frequency of this variant in the gnomAD database is not available, as this variant may be reported differently in the database. This variant has not been reported in the literature in individuals affected with SALL4-related conditions. ClinVar contains an entry for this variant (Variation ID: 2190976). Experimental studies and prediction algorithms are not available or were not evaluated, and the functional significance of this variant is currently unknown. In summary, the available evidence is currently insufficient to determine the role of this variant in disease. Therefore, it has been classified as a Variant of Uncertain Significance.